The following is an entry in ClinVar:

NM_031935.3(HMCN1):c.10706T>C (p.Leu3569Pro)

Gene: HMCN1 (hemicentin 1; plus strand). Cytogenetic location: 1q31.1.
Variant type: single nucleotide variant.
Coding change: c.10706T>C on transcript NM_031935.3 (MANE Select); coding-DNA position 10706, T replaced by C.
Protein change: p.Leu3569Pro; replaces leucine 3569 with proline.
Molecular consequence: missense variant.
Genome position (GRCh38, 1-based): chr1:186,103,604, T>C. VCF-style: chr1-186103604-T-C. GRCh37 (hg19) VCF-style: chr1-186072736-T-C.
Other names: short protein forms L3569P.
Identifiers: ClinVar variation 4726992 (VCV004726992.1).
Genomic context (GRCh38, chr1:186,103,604, plus strand): 5'-CCTGCATTGCTTCTGGAATCCCAGCCCCTAAAATGACCTGGATGAAAGATGGCCGGCCCC[T>C]TCCACAGACGGATCAAGTGCAAACTCTAGGAGGAGGAGAGGTTCTTCGAATTTCTACTGC-3'
Protein context (NP_114141.2, residues 3559-3579): KMTWMKDGRP[Leu3569Pro]PQTDQVQTLG

ClinVar aggregate classification (germline): Uncertain significance (1 of 4 stars; one submission).

Submission:

Labcorp Genetics (formerly Invitae), Labcorp
Classification: Uncertain significance. Last evaluated: 2025-11-27. Review status: criteria provided, single submitter. Criteria: Invitae Variant Classification Sherloc (09022015). Collection method: clinical testing. Allele origin: germline.
Comment: This sequence change replaces leucine, which is neutral and non-polar, with proline, which is neutral and non-polar, at codon 3569 of the HMCN1 protein (p.Leu3569Pro). This variant is not present in population databases (gnomAD no frequency). This variant has not been reported in the literature in individuals affected with HMCN1-related conditions. An algorithm developed to predict the effect of missense changes on protein structure and function (PolyPhen-2) suggests that this variant is likely to be disruptive. In summary, the available evidence is currently insufficient to determine the role of this variant in disease. Therefore, it has been classified as a Variant of Uncertain Significance.